The following is an entry in ClinVar:

NM_152618.3(BBS12):c.1491T>A (p.Ile497=)

Gene: BBS12 (Bardet-Biedl syndrome 12; plus strand). Cytogenetic location: 4q27.
Variant type: single nucleotide variant.
Coding change: c.1491T>A on transcript NM_152618.3 (MANE Select); coding-DNA position 1491, T replaced by A.
Protein change: p.Ile497=; no amino-acid change (isoleucine 497 retained).
Molecular consequence: synonymous variant.
Genome position (GRCh38, 1-based): chr4:122,743,383, T>A. VCF-style: chr4-122743383-T-A. GRCh37 (hg19) VCF-style: chr4-123664538-T-A.
Other names: c.1491T>A, p.Ile497= (NM_001178007.2).
Identifiers: ClinVar variation 3356642 (VCV003356642.1).
Genomic context (GRCh38, chr4:122,743,383, plus strand): 5'-CCCTTTGGATGTTGTAGATAGGAACAACAGAATCGCAATCTTATTAAAAACAGAAGGAAT[T>A]AATTTGGTTACGGCCGTGCTCACTAACCCAGTTACTGCACAGATGCAAATCAAAGAAGAT-3'
Protein context (NP_689831.2, residues 487-507): RIAILLKTEG[Ile497=]NLVTAVLTNP

ClinVar aggregate classification (germline): Likely benign (0 of 4 stars; one submission).

Conditions:
BBS12-related disorder. Also called: BBS12-related condition.

Submission:

PreventionGenetics, part of Exact Sciences
Classification: Likely benign for BBS12-related condition. Last evaluated: 2022-12-21. Review status: no assertion criteria provided. Collection method: clinical testing. Allele origin: germline.
Comment: This variant is classified as likely benign based on ACMG/AMP sequence variant interpretation guidelines (Richards et al. 2015 PMID: 25741868, with internal and published modifications).